The following is an entry in ClinVar:

NM_001042492.3(NF1):c.7294A>C (p.Asn2432His)

Gene: NF1 (neurofibromin 1; plus strand). Cytogenetic location: 17q11.2.
Variant type: single nucleotide variant.
Coding change: c.7294A>C on transcript NM_001042492.3 (MANE Select); coding-DNA position 7294, A replaced by C.
Protein change: p.Asn2432His; replaces asparagine 2432 with histidine.
Molecular consequence: missense variant.
Genome position (GRCh38, 1-based): chr17:31,349,224, A>C. VCF-style: chr17-31349224-A-C. GRCh37 (hg19) VCF-style: chr17-29676242-A-C.
Other names: c.7231A>C, p.Asn2411His (NM_000267.4); short protein forms N2411H, N2432H.
Identifiers: ClinVar variation 1757820 (VCV001757820.7), dbSNP rs2151572863, ClinGen allele CA399016871.

ClinVar aggregate classification (germline): Uncertain significance. Review status: criteria provided, multiple submitters, no conflicts (2 of 4 stars). 2 submissions from 2 submitters: Uncertain significance (2). Last evaluated 2023-04-08.
ClinVar aggregate classification (oncogenicity): Uncertain significance (1 of 4 stars; one submission).

Conditions:
Neurofibromatosis, type 1 (NF1). Also called: Peripheral type neurofibromatosis; VON RECKLINGHAUSEN DISEASE; NEUROFIBROMATOSIS, TYPE I, SOMATIC; Neurofibromatosis, type I. Identifiers: Orphanet 636, MedGen C0027831, MONDO:0018975, OMIM 162200. Disease mechanism: loss of function.
Cardiovascular phenotype. Identifiers: MedGen CN230736.
Hereditary cancer-predisposing syndrome. Also called: Neoplastic Syndromes, Hereditary; Tumor predisposition; Hereditary neoplastic syndrome; Hereditary Cancer Syndrome. Identifiers: Orphanet 140162, MedGen C0027672, MeSH D009386, MONDO:0015356.
Neoplasm. Also called: tumor; Neoplasms; Neoplasm (disease). Identifiers: MedGen C0027651, MeSH D009369, MONDO:0005070, HP:0002664.

Submissions (3):

Center for Genomic Medicine, Rigshospitalet, Copenhagen University Hospital
Classification: Uncertain significance for Neoplasm. Last evaluated: 2025-03-04. Review status: criteria provided, single submitter. Criteria: ClinGen/CGC/VICC Guidelines for Oncogenicity, 2022. Collection method: clinical testing. Allele origin: somatic. Affected: yes.

Labcorp Genetics (formerly Invitae), Labcorp
Classification: Uncertain significance for Neurofibromatosis, type 1. Last evaluated: 2023-04-08. Review status: criteria provided, single submitter. Criteria: Invitae Variant Classification Sherloc (09022015). Collection method: clinical testing. Allele origin: germline.
Comment: This sequence change replaces asparagine, which is neutral and polar, with histidine, which is basic and polar, at codon 2411 of the NF1 protein (p.Asn2411His). In summary, the available evidence is currently insufficient to determine the role of this variant in disease. Therefore, it has been classified as a Variant of Uncertain Significance. Advanced modeling of protein sequence and biophysical properties (such as structural, functional, and spatial information, amino acid conservation, physicochemical variation, residue mobility, and thermodynamic stability) has been performed at Invitae for this missense variant, however the output from this modeling did not meet the statistical confidence thresholds required to predict the impact of this variant on NF1 protein function. ClinVar contains an entry for this variant (Variation ID: 1757820). This variant has not been reported in the literature in individuals affected with NF1-related conditions. This variant is not present in population databases (gnomAD no frequency).

Ambry Genetics
Classification: Uncertain significance for Cardiovascular phenotype; Hereditary cancer-predisposing syndrome. Last evaluated: 2020-01-31. Review status: criteria provided, single submitter. Criteria: Ambry Variant Classification Scheme 2023. Collection method: clinical testing. Allele origin: germline.
Comment: The p.N2411H variant (also known as c.7231A>C), located in coding exon 48 of the NF1 gene, results from an A to C substitution at nucleotide position 7231. The asparagine at codon 2411 is replaced by histidine, an amino acid with similar properties. In one study, this alteration was reported in 0/53 unselected male breast cancer patients and 1/12,490 male controls of Japanese ancestry (Momozawa Y et al. Nat Commun, 2018 10;9:4083). This amino acid position is highly conserved in available vertebrate species. In addition, this alteration is predicted to be tolerated by in silico analysis. Since supporting evidence is limited at this time, the clinical significance of this alteration remains unclear.